The following is an entry in ClinVar:

ClinVar aggregate classification (germline): Uncertain significance. Review status: criteria provided, multiple submitters, no conflicts (2 of 4 stars). 4 submissions from 4 submitters: Uncertain significance (4). Last evaluated 2025-11-02.

Conditions:
Cardiovascular phenotype. Identifiers: MedGen CN230736.
Hereditary cancer-predisposing syndrome. Also called: Hereditary Cancer Syndrome; Hereditary neoplastic syndrome; Tumor predisposition; Neoplastic Syndromes, Hereditary. Identifiers: Orphanet 140162, MedGen C0027672, MeSH D009386, MONDO:0015356.
Neurofibromatosis, type 1 (NF1). Also called: VON RECKLINGHAUSEN DISEASE; NEUROFIBROMATOSIS, TYPE I, SOMATIC; Peripheral type neurofibromatosis; Neurofibromatosis, type I. Identifiers: Orphanet 636, MedGen C0027831, MONDO:0018975, OMIM 162200. Disease mechanism: loss of function.

Allele frequency attached by ClinVar (database versions not stated): gnomAD exomes below 0.00001.
gnomAD v4.1: 1 of 1,613,116 alleles (0.000062%); highest among the groups gnomAD compares: Non-Finnish European, 0.000085%; no homozygotes.

Submissions (4):

Ambry Genetics
Classification: Uncertain significance for Cardiovascular phenotype; Hereditary cancer-predisposing syndrome. Last evaluated: 2025-11-02. Review status: criteria provided, single submitter. Criteria: Ambry Variant Classification Scheme 2023. Collection method: clinical testing. Allele origin: germline.
Comment: The p.T594A variant (also known as c.1780A>G), located in coding exon 16 of the NF1 gene, results from an A to G substitution at nucleotide position 1780. The threonine at codon 594 is replaced by alanine, an amino acid with similar properties. This amino acid position is conserved. In addition, the in silico prediction for this alteration is inconclusive. Based on the available evidence, the clinical significance of this variant remains unclear.

Labcorp Genetics (formerly Invitae), Labcorp
Classification: Uncertain significance for Neurofibromatosis, type 1. Last evaluated: 2024-04-15. Review status: criteria provided, single submitter. Criteria: Invitae Variant Classification Sherloc (09022015). Collection method: clinical testing. Allele origin: germline.
Comment: This sequence change replaces threonine, which is neutral and polar, with alanine, which is neutral and non-polar, at codon 594 of the NF1 protein (p.Thr594Ala). This variant is not present in population databases (gnomAD no frequency). This variant has not been reported in the literature in individuals affected with NF1-related conditions. ClinVar contains an entry for this variant (Variation ID: 457546). Advanced modeling of protein sequence and biophysical properties (such as structural, functional, and spatial information, amino acid conservation, physicochemical variation, residue mobility, and thermodynamic stability) has been performed at Invitae for this missense variant, however the output from this modeling did not meet the statistical confidence thresholds required to predict the impact of this variant on NF1 protein function. In summary, the available evidence is currently insufficient to determine the role of this variant in disease. Therefore, it has been classified as a Variant of Uncertain Significance.

Genome-Nilou Lab
Classification: Uncertain significance for Neurofibromatosis, type 1. Last evaluated: 2022-03-15. Review status: criteria provided, single submitter. Criteria: ACMG Guidelines, 2015. Collection method: clinical testing. Allele origin: germline. Affected: no.

GeneDx
Classification: Uncertain significance. Last evaluated: 2019-07-29. Review status: criteria provided, single submitter. Criteria: GeneDx Variant Classification Process June 2021. Collection method: clinical testing. Allele origin: germline. Affected: yes.
Comment: Not observed in large population cohorts (Lek et al., 2016); In silico analysis, which includes protein predictors and evolutionary conservation, supports a deleterious effect; Has not been previously published as pathogenic or benign to our knowledge

NM_001042492.3(NF1):c.1780A>G (p.Thr594Ala)

Gene: NF1 (neurofibromin 1; plus strand). Cytogenetic location: 17q11.2.
Variant type: single nucleotide variant.
Coding change: c.1780A>G on transcript NM_001042492.3 (MANE Select); coding-DNA position 1780, A replaced by G.
Protein change: p.Thr594Ala; replaces threonine 594 with alanine.
Molecular consequence: missense variant.
Genome position (GRCh38, 1-based): chr17:31,223,502, A>G. VCF-style: chr17-31223502-A-G. GRCh37 (hg19) VCF-style: chr17-29550520-A-G.
Other names: c.1780A>G, p.Thr594Ala (NM_000267.4); short protein forms T594A.
Identifiers: ClinVar variation 457546 (VCV000457546.10), dbSNP rs1555613419, ClinGen allele CA399004296.